The following is an entry in ClinVar:

NC_000017.11:g.(?_43045658)_(43045822_?)del

Gene: BRCA1 (BRCA1 DNA repair associated; minus strand). Cytogenetic location: 17q21.31.
Variant type: Deletion.
Identifiers: ClinVar variation 583664 (VCV000583664.3).

ClinVar aggregate classification (germline): Pathogenic (1 of 4 stars; one submission).

Conditions:
Hereditary breast ovarian cancer syndrome. Also called: Hereditary breast and ovarian cancer syndrome; Hereditary breast and/or ovarian cancer syndrome; Hereditary breast and ovarian cancer syndrome (HBOC); Breast and ovarian cancer; BRCA1- and BRCA2-Associated Hereditary Breast and Ovarian Cancer; Hereditary breast and ovarian cancer. Identifiers: Orphanet 145, MedGen C0677776, MeSH D061325, MONDO:0003582. Disease mechanism: loss of function.

Submission:

Labcorp Genetics (formerly Invitae), Labcorp
Classification: Pathogenic for Hereditary breast and ovarian cancer syndrome. Last evaluated: 2019-07-02. Review status: criteria provided, single submitter. Criteria: Invitae Variant Classification Sherloc (09022015). Collection method: clinical testing. Allele origin: germline.
Comment: This variant is a gross deletion of the genomic region encompassing exon 23 of the BRCA1 gene. The 5' boundary is likely confined to intron 22. The 3' end of this event is unknown as it extends through the termination codon beyond the assayed region for this gene and may encompass additional genes. While this deletion is not anticipated to result in nonsense mediated decay, it is expected to create a truncated protein product or disrupt mRNA translation. Deletions of exon 23 have been reported in individuals with a personal or family history of breast and ovarian cancer (PMID: 24825132, 25428789, 18431737). A deletion of exon 23 is also known as a deletion of exon 24 in the literature. This deletion is expected to partially remove the C-terminal BRCT domain of the BRCA1 protein, which is important for DNA repair activity (PMID: 14576433, 15133503). A different deleterious variant (p.Tyr1853*) within the deleted sequence of this variant has been shown to disrupt BRCA1 protein function (PMID: 8942979, 20681793, 10811118, 11256609, 17308087), suggesting that although this particular variant may not result in nonsense mediated decay, it is expected to affect BRCA1 protein function. For these reasons, this variant has been classified as Pathogenic.

Literature cited by the submitters: PubMed 17308087; PubMed 15133503; PubMed 24825132; PubMed 8942979; PubMed 11256609; PubMed 18431737; PubMed 10811118; PubMed 20681793; PubMed 14576433; PubMed 25428789.